The following is an entry in ClinVar:

NM_013372.7(GREM1):c.229A>C (p.Ser77Arg)

Gene: GREM1 (gremlin 1, DAN family BMP antagonist; plus strand). Cytogenetic location: 15q13.3.
Variant type: single nucleotide variant.
Coding change: c.229A>C on transcript NM_013372.7 (MANE Select); coding-DNA position 229, A replaced by C.
Protein change: p.Ser77Arg; replaces serine 77 with arginine.
Molecular consequence: missense variant. On other transcripts: intron variant (2).
Genome position (GRCh38, 1-based): chr15:32,730,919, A>C. VCF-style: chr15-32730919-A-C. GRCh37 (hg19) VCF-style: chr15-33023120-A-C.
Other names: c.229A>C, p.Ser77Arg (NM_001368719.1); c.115-9A>C (NM_001191323.2); c.28-9A>C (NM_001191322.2); short protein forms S77R.
Identifiers: ClinVar variation 1789214 (VCV001789214.3), dbSNP rs2548707657, ClinGen allele CA391557462.

ClinVar aggregate classification (germline): Uncertain significance (1 of 4 stars; one submission).

Conditions:
Hereditary cancer-predisposing syndrome. Also called: Hereditary Cancer Syndrome; Hereditary neoplastic syndrome; Tumor predisposition; Neoplastic Syndromes, Hereditary. Identifiers: Orphanet 140162, MedGen C0027672, MeSH D009386, MONDO:0015356.

Submission:

Ambry Genetics
Classification: Uncertain significance for Hereditary cancer-predisposing syndrome. Last evaluated: 2024-09-15. Review status: criteria provided, single submitter. Criteria: Ambry Variant Classification Scheme 2023. Collection method: clinical testing. Allele origin: germline.
Comment: The p.S77R variant (also known as c.229A>C), located in coding exon 1 of the GREM1 gene, results from an A to C substitution at nucleotide position 229. The serine at codon 77 is replaced by arginine, an amino acid with dissimilar properties. This amino acid position is conserved. In addition, the in silico prediction for this alteration is inconclusive. Since supporting evidence is limited at this time, the clinical significance of this alteration remains unclear.